The following is an entry in ClinVar:

NM_000283.4(PDE6B):c.1401+110_1401+155del

Gene: PDE6B (phosphodiesterase 6B; plus strand). Cytogenetic location: 4p16.3.
Variant type: Deletion.
Coding change: c.1401+110_1401+155del on transcript NM_000283.4 (MANE Select); bases 110 to 155 of the intron after coding-DNA position 1401, 46 bases deleted.
Molecular consequence: intron variant.
Genome position (GRCh38, 1-based): chr4:657,604-657,649, 46 bases deleted; deleting any 46 consecutive bases within chr4:657,590-657,649 gives the same sequence; the c. name uses the placement nearest the transcript's 3' end. GRCh37 (hg19): chr4:651,393-651,438.
Other names: c.1401+110_1401+155del (NM_001145291.2); c.564+110_564+155del (NM_001379246.1, NM_001379247.1, NM_001145292.2 and 1 more transcripts); c.246+110_246+155del (NM_001350155.3).
Identifiers: ClinVar variation 1707115 (VCV001707115.2), dbSNP rs753427683, ClinGen allele CA91084691.

ClinVar aggregate classification (germline): Likely benign (1 of 4 stars; one submission).

Submission:

GeneDx
Classification: Likely benign. Last evaluated: 2020-07-16. Review status: criteria provided, single submitter. Criteria: GeneDx Variant Classification Process June 2021. Collection method: clinical testing. Allele origin: germline. Affected: yes.
Comment: See Variant Classification Assertion Criteria.